The following is an entry in ClinVar:

ClinVar aggregate classification (germline): Uncertain significance (1 of 4 stars; one submission).

Conditions:
Vici syndrome (VICIS). Identifiers: Orphanet 1493, MedGen C1855772, MONDO:0009452, OMIM 242840.

Allele frequency attached by ClinVar (database versions not stated): ExAC 0.00001.
gnomAD v4.1: 6 of 1,613,576 alleles (0.00037%); highest among the groups gnomAD compares: South Asian, 0.0066%; no homozygotes.

Submission:

Labcorp Genetics (formerly Invitae), Labcorp
Classification: Uncertain significance for Vici syndrome. Last evaluated: 2024-07-29. Review status: criteria provided, single submitter. Criteria: Invitae Variant Classification Sherloc (09022015). Collection method: clinical testing. Allele origin: germline.
Comment: This sequence change replaces glycine, which is neutral and non-polar, with serine, which is neutral and polar, at codon 652 of the EPG5 protein (p.Gly652Ser). This variant is present in population databases (rs754417895, gnomAD 0.007%). This variant has not been reported in the literature in individuals affected with EPG5-related conditions. ClinVar contains an entry for this variant (Variation ID: 1720364). Advanced modeling of protein sequence and biophysical properties (such as structural, functional, and spatial information, amino acid conservation, physicochemical variation, residue mobility, and thermodynamic stability) performed at Invitae indicates that this missense variant is not expected to disrupt EPG5 protein function with a negative predictive value of 80%. In summary, the available evidence is currently insufficient to determine the role of this variant in disease. Therefore, it has been classified as a Variant of Uncertain Significance.

NM_020964.3(EPG5):c.1954G>A (p.Gly652Ser)

Gene: EPG5 (ectopic P-granules 5 autophagy tethering factor; minus strand). Cytogenetic location: 18q21.1.
Variant type: single nucleotide variant.
Coding change: c.1954G>A on transcript NM_020964.3 (MANE Select); coding-DNA position 1954, G replaced by A.
Protein change: p.Gly652Ser; replaces glycine 652 with serine.
Molecular consequence: missense variant.
Genome position (GRCh38, 1-based): chr18:45,939,745, C>T on the plus strand (G>A on the coding strand, the complement: EPG5 is on the minus strand). VCF-style: chr18-45939745-C-T. GRCh37 (hg19) VCF-style: chr18-43519711-C-T.
Other names: c.1954G>A, p.Gly652Ser (NM_001410858.1, NM_001410859.1); short protein forms G652S.
Identifiers: ClinVar variation 1720364 (VCV001720364.5), dbSNP rs754417895, ClinGen allele CA8949547.